The following is an entry in ClinVar:

NM_005751.5(AKAP9):c.9409C>G (p.Gln3137Glu)

Gene: AKAP9 (A-kinase anchoring protein 9; plus strand). Cytogenetic location: 7q21.2.
Variant type: single nucleotide variant.
Coding change: c.9409C>G on transcript NM_005751.5 (MANE Select); coding-DNA position 9409, C replaced by G.
Protein change: p.Gln3137Glu; replaces glutamine 3137 with glutamic acid.
Molecular consequence: missense variant.
Genome position (GRCh38, 1-based): chr7:92,093,147, C>G. VCF-style: chr7-92093147-C-G. GRCh37 (hg19) VCF-style: chr7-91722461-C-G.
Other names: c.4054C>G, p.Gln1352Glu (NM_001379277.1); c.9385C>G, p.Gln3129Glu (NM_147185.3); short protein forms Q3137E, Q3129E, Q1352E.
Identifiers: ClinVar variation 1975946 (VCV001975946.5), dbSNP rs771738197, ClinGen allele CA4337761.
Genomic context (GRCh38, chr7:92,093,147, plus strand): 5'-TTCTGTGTAGAACTCTTGGAATATAATATACAGCAGAAGCAGTCTCAAATGCTGGAGATG[C>G]AAGTGGAGCTCAGCAGTATGAAAGACAGAGCAACGGAACTGCAGGAGCAGCTGAGTTCTG-3'
Protein context (NP_005742.4, residues 3127-3147): QQKQSQMLEM[Gln3137Glu]VELSSMKDRA

ClinVar aggregate classification (germline): Uncertain significance (1 of 4 stars; one submission).

Conditions:
Long QT syndrome (LQTS). Identifiers: MedGen C0023976, MeSH D008133, MONDO:0002442. Disease mechanism: loss of function. Inheritance: Various modes of inheritance.

Allele frequency attached by ClinVar (database versions not stated): ExAC 0.00001.

Submission:

Labcorp Genetics (formerly Invitae), Labcorp
Classification: Uncertain significance for Long QT syndrome. Last evaluated: 2023-04-26. Review status: criteria provided, single submitter. Criteria: Invitae Variant Classification Sherloc (09022015). Collection method: clinical testing. Allele origin: germline.
Comment: In summary, the available evidence is currently insufficient to determine the role of this variant in disease. Therefore, it has been classified as a Variant of Uncertain Significance. An algorithm developed to predict the effect of missense changes on protein structure and function (PolyPhen-2) suggests that this variant is likely to be disruptive. ClinVar contains an entry for this variant (Variation ID: 1975946). This variant has not been reported in the literature in individuals affected with AKAP9-related conditions. This variant is present in population databases (rs771738197, gnomAD 0.003%). This sequence change replaces glutamine, which is neutral and polar, with glutamic acid, which is acidic and polar, at codon 3137 of the AKAP9 protein (p.Gln3137Glu).